The following is an entry in ClinVar:

NM_003803.4(MYOM1):c.4740C>A (p.Asp1580Glu)

Gene: MYOM1 (myomesin 1; minus strand). Cytogenetic location: 18p11.31.
Variant type: single nucleotide variant.
Coding change: c.4740C>A on transcript NM_003803.4 (MANE Select); coding-DNA position 4740, C replaced by A.
Protein change: p.Asp1580Glu; replaces aspartic acid 1580 with glutamic acid.
Molecular consequence: missense variant.
Genome position (GRCh38, 1-based): chr18:3,071,858, G>T on the plus strand (C>A on the coding strand, the complement: MYOM1 is on the minus strand). VCF-style: chr18-3071858-G-T. GRCh37 (hg19) VCF-style: chr18-3071856-G-T.
Other names: c.4452C>A, p.Asp1484Glu (NM_019856.2); short protein forms D1484E, D1580E.
Identifiers: ClinVar variation 3665707 (VCV003665707.2).

ClinVar aggregate classification (germline): Uncertain significance (1 of 4 stars; one submission).

Conditions:
Hypertrophic cardiomyopathy. Also called: HYPERTROPHIC MYOCARDIOPATHY. Identifiers: Orphanet 217569, MedGen C0007194, MeSH D002312, MONDO:0005045, HP:0001639.

gnomAD v4.1: 2 of 1,604,854 alleles (0.00012%); highest among the groups gnomAD compares: African/African-American, 0.0027%; no homozygotes.

Submission:

Labcorp Genetics (formerly Invitae), Labcorp
Classification: Uncertain significance for Hypertrophic cardiomyopathy. Last evaluated: 2025-09-02. Review status: criteria provided, single submitter. Criteria: Invitae Variant Classification Sherloc (09022015). Collection method: clinical testing. Allele origin: germline.
Comment: This sequence change replaces aspartic acid, which is acidic and polar, with glutamic acid, which is acidic and polar, at codon 1580 of the MYOM1 protein (p.Asp1580Glu). This variant is not present in population databases (gnomAD no frequency). This variant has not been reported in the literature in individuals affected with MYOM1-related conditions. ClinVar contains an entry for this variant (Variation ID: 3665707). Invitae Evidence Modeling of protein sequence and biophysical properties (such as structural, functional, and spatial information, amino acid conservation, physicochemical variation, residue mobility, and thermodynamic stability) has been performed for this missense variant. However, the output from this modeling did not meet the statistical confidence thresholds required to predict the impact of this variant on MYOM1 protein function. In summary, the available evidence is currently insufficient to determine the role of this variant in disease. Therefore, it has been classified as a Variant of Uncertain Significance.